The following is an entry in ClinVar:

NM_000179.3(MSH6):c.3972G>C (p.Glu1324Asp)

Gene: MSH6 (mutS homolog 6; plus strand). Cytogenetic location: 2p16.3.
Variant type: single nucleotide variant.
Coding change: c.3972G>C on transcript NM_000179.3 (MANE Select); coding-DNA position 3972, G replaced by C.
Protein change: p.Glu1324Asp; replaces glutamic acid 1324 with aspartic acid.
Molecular consequence: missense variant.
Genome position (GRCh38, 1-based): chr2:47,806,622, G>C. VCF-style: chr2-47806622-G-C. GRCh37 (hg19) VCF-style: chr2-48033761-G-C.
Other names: p.E1324D:GAG>GAC; c.3582G>C, p.Glu1194Asp (NM_001281492.2); c.3066G>C, p.Glu1022Asp (NM_001281493.2, NM_001281494.2); short protein forms E1324D, E1194D, E1022D.
Identifiers: ClinVar variation 127595 (VCV000127595.25), dbSNP rs587779938, ClinGen allele CA014920.

ClinVar aggregate classification (germline): Uncertain significance. Review status: criteria provided, multiple submitters, no conflicts (2 of 4 stars). 7 submissions from 7 submitters: Uncertain significance (6). 1 of the submissions does not count toward it. Last evaluated 2025-10-12.

Conditions:
Hereditary nonpolyposis colorectal neoplasms. Identifiers: MedGen C0009405, MeSH D003123.
Hereditary cancer-predisposing syndrome. Also called: Hereditary Cancer Syndrome; Hereditary neoplastic syndrome; Tumor predisposition; Neoplastic Syndromes, Hereditary. Identifiers: Orphanet 140162, MedGen C0027672, MeSH D009386, MONDO:0015356.
Lynch syndrome. Identifiers: Orphanet 144, MedGen C4552100, MONDO:0005835. Disease mechanism: loss of function.
Lynch syndrome 5 (LYNCH5). Also called: Colorectal cancer, hereditary nonpolyposis, type 5; Hereditary non-polyposis colorectal cancer, type 5. Identifiers: Orphanet 144, MedGen C1833477, MONDO:0013710, OMIM 614350. Disease mechanism: loss of function.
Endometrial carcinoma. Also called: Endometrial carcinoma, somatic. Identifiers: MedGen C0476089, MONDO:0002447, OMIM 608089, HP:0012114.

Allele frequency attached by ClinVar (database versions not stated): TOPMed 0.00001; gnomAD 0.00002.

Submissions (7):

Ambry Genetics
Classification: Uncertain significance for Hereditary cancer-predisposing syndrome. Last evaluated: 2025-10-12. Review status: criteria provided, single submitter. Criteria: Ambry Variant Classification Scheme 2023. Collection method: clinical testing. Allele origin: germline.
Comment: The p.E1324D variant (also known as c.3972G>C), located in coding exon 9 of the MSH6 gene, results from a G to C substitution at nucleotide position 3972. The glutamic acid at codon 1324 is replaced by aspartic acid, an amino acid with highly similar properties. This amino acid position is highly conserved in available vertebrate species. In addition, this alteration is predicted to be deleterious by in silico analysis. Since supporting evidence is limited at this time, the clinical significance of this alteration remains unclear.

Labcorp Genetics (formerly Invitae), Labcorp
Classification: Uncertain significance for Hereditary nonpolyposis colorectal neoplasms. Last evaluated: 2025-03-25. Review status: criteria provided, single submitter. Criteria: Invitae Variant Classification Sherloc (09022015). Collection method: clinical testing. Allele origin: germline.
Comment: This sequence change replaces glutamic acid, which is acidic and polar, with aspartic acid, which is acidic and polar, at codon 1324 of the MSH6 protein (p.Glu1324Asp). This variant is not present in population databases (gnomAD no frequency). This variant has not been reported in the literature in individuals affected with MSH6-related conditions. ClinVar contains an entry for this variant (Variation ID: 127595). Invitae Evidence Modeling of protein sequence and biophysical properties (such as structural, functional, and spatial information, amino acid conservation, physicochemical variation, residue mobility, and thermodynamic stability) indicates that this missense variant is not expected to disrupt MSH6 protein function with a negative predictive value of 95%. In summary, the available evidence is currently insufficient to determine the role of this variant in disease. Therefore, it has been classified as a Variant of Uncertain Significance.

All of Us Research Program, National Institutes of Health
Classification: Uncertain significance for Lynch syndrome. Last evaluated: 2023-12-13. Review status: criteria provided, single submitter. Criteria: ACMG Guidelines, 2015. Collection method: clinical testing. Allele origin: germline. Inheritance: Autosomal dominant inheritance. Observed: 1 variant allele, 1 heterozygote.
Comment: This missense variant replaces glutamic acid with aspartic acid at codon 1324 of the MSH6 protein. Computational prediction is inconclusive regarding the impact of this variant on protein structure and function (internally defined REVEL score threshold 0.5 < inconclusive < 0.7, PMID: 27666373). To our knowledge, functional studies have not been reported for this variant. This variant has not been reported in individuals affected with MSH6-related disorders in the literature. This variant has not been identified in the general population by the Genome Aggregation Database (gnomAD). The available evidence is insufficient to determine the role of this variant in disease conclusively. Therefore, this variant is classified as a Variant of Uncertain Significance.

This study involves interpretation of variants in research participants for the purpose of population health screening. Participant phenotype was not available at the time of variant classification. Additional details can be found in publication PMID: 35346344, PMCID: PMC8962531

Baylor Genetics
Classification: Uncertain significance for Endometrial carcinoma. Last evaluated: 2023-09-13. Review status: criteria provided, single submitter. Criteria: ACMG Guidelines, 2015. Collection method: clinical testing. Allele origin: unknown.

GeneDx
Classification: Uncertain significance. Last evaluated: 2023-08-21. Review status: criteria provided, single submitter. Criteria: GeneDx Variant Classification Process June 2021. Collection method: clinical testing. Allele origin: germline. Affected: yes.
Comment: Not observed at significant frequency in large population cohorts (gnomAD); In silico analysis supports that this missense variant has a deleterious effect on protein structure/function; Has not been previously published as pathogenic or benign to our knowledge; This variant is associated with the following publications: (PMID: 17531815, 21120944, 12019211)

Myriad Genetics, Inc.
Classification: Uncertain significance for Lynch syndrome 5. Last evaluated: 2023-03-29. Review status: criteria provided, single submitter. Criteria: Myriad Autosomal Dominant, Autosomal Recessive and X-Linked Classification Criteria (2023). Collection method: clinical testing. Allele origin: unknown.
Comment: This variant is classified as a variant of uncertain significance as there is insufficient evidence to determine its impact on protein function and/or cancer risk.

Counsyl
Classification: Uncertain significance for Lynch syndrome 5. Last evaluated: 2015-12-01. Review status: no assertion criteria provided. Collection method: clinical testing. Allele origin: unknown. Not counted in ClinVar's aggregate classification.